The following is an entry in ClinVar:

ClinVar aggregate classification (germline): Pathogenic. Review status: criteria provided, multiple submitters, no conflicts (2 of 4 stars). 2 submissions from 2 submitters: Pathogenic (2). Last evaluated 2022-12-16.

Conditions:
RECQL4-related spectrum disorders.
Baller-Gerold syndrome (BGS). Also called: CRANIOSYNOSTOSIS WITH RADIAL DEFECTS. Identifiers: Orphanet 1225, MedGen C0265308, MONDO:0009039, OMIM 218600.

Submissions (2):

Labcorp Genetics (formerly Invitae), Labcorp
Classification: Pathogenic for Baller-Gerold syndrome. Last evaluated: 2022-12-16. Review status: criteria provided, single submitter. Criteria: Invitae Variant Classification Sherloc (09022015). Collection method: clinical testing. Allele origin: germline.
Comment: For these reasons, this variant has been classified as Pathogenic. ClinVar contains an entry for this variant (Variation ID: 1199231). This variant has not been reported in the literature in individuals affected with RECQL4-related conditions. This variant is not present in population databases (gnomAD no frequency). This sequence change creates a premature translational stop signal (p.Gln471Argfs*87) in the RECQL4 gene. It is expected to result in an absent or disrupted protein product. Loss-of-function variants in RECQL4 are known to be pathogenic (PMID: 12734318, 12952869).

Illumina Laboratory Services, Illumina
Classification: Pathogenic for RECQL4-related spectrum disorders. Last evaluated: 2021-02-04. Review status: criteria provided, single submitter. Criteria: ICSLVariantClassificationCriteria RUGD 01 April 2020. Collection method: clinical testing. Allele origin: unknown.
Comment: The RECQL4 c.1411delC (p.Gln471ArgfsTer87) variant results in a frameshift and is predicted to result in premature termination or absence of the protein. A literature search was performed for the gene, cDNA change, and amino acid change. No publications were found based on this search. The p.Gln471ArgfsTer87 variant is not found in the Genome Aggregation Database in a region of good sequence coverage, so the variant is presumed to be rare. Based on the available evidence and application of the ACMG criteria, the p.Gln471ArgfsTer87 variant is classified as pathogenic for RECQL4-related spectrum disorders.

Literature cited by the submitters: PubMed 12734318 (cited by Labcorp Genetics (formerly Invitae), Labcorp); PubMed 12952869 (cited by Labcorp Genetics (formerly Invitae), Labcorp).

NM_004260.4(RECQL4):c.1411del (p.Gln471fs)

Gene: RECQL4 (RecQ like helicase 4; minus strand). Cytogenetic location: 8q24.3.
Variant type: Deletion.
Coding change: c.1411del on transcript NM_004260.4 (MANE Select); coding-DNA position 1411, one base deleted (C; older notation c.1411delC).
Protein change: p.Gln471fs; shifts the reading frame from glutamine 471.
Molecular consequence: frameshift variant.
Genome position (GRCh38, 1-based): chr8:144,515,222, G deleted on the plus strand (C on the coding strand, the reverse complement: RECQL4 is on the minus strand); the first of 2 consecutive G bases (chr8:144,515,222-144,515,223); deleting either gives the same sequence. VCF-style (leftmost placement, unchanged base first): chr8-144515221-TG-T. GRCh37 (hg19) VCF-style: chr8-145740605-TG-T.
Other names: short protein forms Q471fs.
Identifiers: ClinVar variation 1199231 (VCV001199231.9), dbSNP rs2130706345, ClinGen allele CA2499219191.